The following is an entry in ClinVar:

ClinVar aggregate classification (germline): Uncertain significance. Review status: criteria provided, multiple submitters, no conflicts (2 of 4 stars). 3 submissions from 3 submitters: Uncertain significance (3). Last evaluated 2025-04-17.

Conditions:
Hereditary spherocytosis type 1. Also called: Spherocytosis type 1; ANK1-Related Spherocytosis. Identifiers: Orphanet 822, MedGen C2674218, MONDO:0008447, OMIM 182900.

Submissions (3):

Labcorp Genetics (formerly Invitae), Labcorp
Classification: Uncertain significance. Last evaluated: 2025-04-17. Review status: criteria provided, single submitter. Criteria: Invitae Variant Classification Sherloc (09022015). Collection method: clinical testing. Allele origin: germline.
Comment: This sequence change falls in intron 31 of the ANK1 gene. It does not directly change the encoded amino acid sequence of the ANK1 protein. It affects a nucleotide within the consensus splice site. This variant is not present in population databases (gnomAD no frequency). This variant has been observed in individual(s) with hereditary spherocytosis (internal data). ClinVar contains an entry for this variant (Variation ID: 2920889). Variants that disrupt the consensus splice site are a relatively common cause of aberrant splicing (PMID: 17576681, 9536098). Algorithms developed to predict the effect of sequence changes on RNA splicing suggest that this variant may disrupt the consensus splice site. In summary, the available evidence is currently insufficient to determine the role of this variant in disease. Therefore, it has been classified as a Variant of Uncertain Significance.

ARUP Laboratories, Molecular Genetics and Genomics, ARUP Laboratories
Classification: Uncertain significance for Hereditary spherocytosis type 1. Last evaluated: 2023-03-22. Review status: criteria provided, single submitter. Criteria: ARUP Molecular Germline Variant Investigation Process 2024. Collection method: clinical testing. Allele origin: germline.

Blueprint Genetics
Classification: Uncertain significance. Last evaluated: 2022-09-01. Review status: criteria provided, single submitter. Criteria: ACMG Guidelines, 2015. Collection method: clinical testing. Allele origin: germline.

Literature cited by the submitters: PubMed 17576681 (cited by Labcorp Genetics (formerly Invitae), Labcorp); PubMed 9536098 (cited by Labcorp Genetics (formerly Invitae), Labcorp).

NM_000037.4(ANK1):c.3858+4A>G

Gene: ANK1 (ankyrin 1; minus strand). Cytogenetic location: 8p11.21.
Variant type: single nucleotide variant.
Coding change: c.3858+4A>G on transcript NM_000037.4 (MANE Select); 4 bases into the intron after coding-DNA position 3858, A replaced by G.
Molecular consequence: intron variant.
Genome position (GRCh38, 1-based): chr8:41,692,644, T>C on the plus strand (A>G on the coding strand, the complement: ANK1 is on the minus strand). VCF-style: chr8-41692644-T-C. GRCh37 (hg19) VCF-style: chr8-41550162-T-C.
Other names: c.3981+4A>G (NM_001142446.2); c.3858+4A>G (NM_020477.3, NM_020475.3, NM_020476.3).
Identifiers: ClinVar variation 2920889 (VCV002920889.3), dbSNP rs2486759643, ClinGen allele CA2739278554.